The following is an entry in ClinVar:

ClinVar aggregate classification (germline): Uncertain significance (1 of 4 stars; one submission).

Submission:

Labcorp Genetics (formerly Invitae), Labcorp
Classification: Uncertain significance. Last evaluated: 2024-06-24. Review status: criteria provided, single submitter. Criteria: Invitae Variant Classification Sherloc (09022015). Collection method: clinical testing. Allele origin: germline.
Comment: This sequence change replaces alanine, which is neutral and non-polar, with threonine, which is neutral and polar, at codon 520 of the SRP72 protein (p.Ala520Thr). This variant is not present in population databases (gnomAD no frequency). This variant has not been reported in the literature in individuals affected with SRP72-related conditions. Advanced modeling of protein sequence and biophysical properties (such as structural, functional, and spatial information, amino acid conservation, physicochemical variation, residue mobility, and thermodynamic stability) performed at Invitae indicates that this missense variant is not expected to disrupt SRP72 protein function with a negative predictive value of 80%. In summary, the available evidence is currently insufficient to determine the role of this variant in disease. Therefore, it has been classified as a Variant of Uncertain Significance.

NM_006947.4(SRP72):c.1558G>A (p.Ala520Thr)

Gene: SRP72 (signal recognition particle 72; plus strand). Cytogenetic location: 4q12.
Variant type: single nucleotide variant.
Coding change: c.1558G>A on transcript NM_006947.4 (MANE Select); coding-DNA position 1558, G replaced by A.
Protein change: p.Ala520Thr; replaces alanine 520 with threonine.
Molecular consequence: missense variant. On other transcripts: non-coding transcript variant (1).
Genome position (GRCh38, 1-based): chr4:56,491,486, G>A. VCF-style: chr4-56491486-G-A. GRCh37 (hg19) VCF-style: chr4-57357652-G-A.
Other names: c.1375G>A, p.Ala459Thr (NM_001267722.2); short protein forms A459T, A520T.
Identifiers: ClinVar variation 3695179 (VCV003695179.2).